The following is an entry in ClinVar:

ClinVar aggregate classification (germline): Uncertain significance (1 of 4 stars; one submission).

gnomAD v4.1: 1 of 1,614,134 alleles (0.000062%); highest among the groups gnomAD compares: Non-Finnish European, 0.000085%; no homozygotes.

Submission:

GeneDx
Classification: Uncertain significance. Last evaluated: 2023-06-15. Review status: criteria provided, single submitter. Criteria: GeneDx Variant Classification Process June 2021. Collection method: clinical testing. Allele origin: germline. Affected: yes.
Comment: Not observed at significant frequency in large population cohorts (gnomAD); In silico analysis supports that this missense variant has a deleterious effect on protein structure/function; Has not been previously published as pathogenic or benign to our knowledge; This variant is associated with the following publications: (PMID: 18199528)

NM_000038.6(APC):c.4975G>A (p.Asp1659Asn)

Gene: APC (APC regulator of WNT signaling pathway; plus strand). Cytogenetic location: 5q22.2.
Variant type: single nucleotide variant.
Coding change: c.4975G>A on transcript NM_000038.6 (MANE Select); coding-DNA position 4975, G replaced by A.
Protein change: p.Asp1659Asn; replaces aspartic acid 1659 with asparagine.
Molecular consequence: missense variant. On other transcripts: non-coding transcript variant (2).
Genome position (GRCh38, 1-based): chr5:112,840,569, G>A. VCF-style: chr5-112840569-G-A. GRCh37 (hg19) VCF-style: chr5-112176266-G-A.
Other names: c.4975G>A, p.Asp1659Asn (NM_001127510.3, NM_001354895.2, NM_001407450.1); c.4921G>A, p.Asp1641Asn (NM_001127511.3); c.5029G>A, p.Asp1677Asn (NM_001354896.2, NM_001407447.1, NM_001407448.1 and 1 more transcripts); c.5005G>A, p.Asp1669Asn (NM_001354897.2); c.4900G>A, p.Asp1634Asn (NM_001354898.2); c.4891G>A, p.Asp1631Asn (NM_001354899.2); c.4852G>A, p.Asp1618Asn (NM_001354900.2); c.4798G>A, p.Asp1600Asn (NM_001354901.2, NM_001407453.1); and 11 more; short protein forms D1275N, D1376N, D1499N, D1530N, D1533N, D1558N, D1568N, D1576N.
Identifiers: ClinVar variation 3359893 (VCV003359893.1).